The following is an entry in ClinVar:

NM_005751.5(AKAP9):c.5777_5778delinsAT (p.Gly1926Asp)

Gene: AKAP9 (A-kinase anchoring protein 9; plus strand). Cytogenetic location: 7q21.2.
Variant type: Indel.
Coding change: c.5777_5778delinsAT on transcript NM_005751.5 (MANE Select); coding-DNA positions 5777 to 5778, GC replaced by AT.
Protein change: p.Gly1926Asp; replaces glycine 1926 with aspartic acid.
Molecular consequence: missense variant.
Genome position (GRCh38, 1-based): chr7:92,062,286-92,062,287, GC replaced by AT. VCF-style: chr7-92062286-GC-AT. GRCh37 (hg19) VCF-style: chr7-91691600-GC-AT.
Other names: c.422_423delinsAT, p.Gly141Asp (NM_001379277.1); c.5777_5778delinsAT, p.Gly1926Asp (NM_147185.3); short protein forms G1926D, G141D.
Identifiers: ClinVar variation 1374008 (VCV001374008.6), dbSNP rs2130824016, ClinGen allele CA2573142398.

ClinVar aggregate classification (germline): Uncertain significance (1 of 4 stars; one submission).

Conditions:
Long QT syndrome (LQTS). Identifiers: MedGen C0023976, MeSH D008133, MONDO:0002442. Disease mechanism: loss of function. Inheritance: Various modes of inheritance.

Submission:

Labcorp Genetics (formerly Invitae), Labcorp
Classification: Uncertain significance for Long QT syndrome. Last evaluated: 2020-12-25. Review status: criteria provided, single submitter. Criteria: Invitae Variant Classification Sherloc (09022015). Collection method: clinical testing. Allele origin: germline.
Comment: In summary, the available evidence is currently insufficient to determine the role of this variant in disease. Therefore, it has been classified as a Variant of Uncertain Significance. Algorithms developed to predict the effect of missense changes on protein structure and function are either unavailable or do not agree on the potential impact of this missense change (SIFT: "Not Available"; PolyPhen-2: "Possibly Damaging"; Align-GVGD: "Not Available"). This variant has not been reported in the literature in individuals with AKAP9-related conditions. The frequency data for this variant in the population databases is not available, as this variant may be reported as separate entries in the ExAC database. This sequence change replaces glycine with aspartic acid at codon 1926 of the AKAP9 protein (p.Gly1926Asp). The glycine residue is highly conserved and there is a moderate physicochemical difference between glycine and aspartic acid.